The following is an entry in ClinVar:

ClinVar aggregate classification (germline): Uncertain significance. Review status: criteria provided, multiple submitters, no conflicts (2 of 4 stars). 2 submissions from 2 submitters: Uncertain significance (2). Last evaluated 2024-10-02.

Allele frequency attached by ClinVar (database versions not stated): gnomAD exomes 0.00027 and 0.00007; 1000 Genomes Project 30x 0.00031; ExAC 0.00007; TOPMed 0.00009; gnomAD 0.00013; 1000 Genomes Project 0.00020.
gnomAD v4.1: 417 of 1,614,206 alleles (0.026%); highest among the groups gnomAD compares: Non-Finnish European, 0.033%; 1 homozygote.

Submissions (2):

Blueprint Genetics
Classification: Uncertain significance. Last evaluated: 2024-10-02. Review status: criteria provided, single submitter. Criteria: ACMG Guidelines, 2015. Collection method: clinical testing. Allele origin: germline.

Labcorp Genetics (formerly Invitae), Labcorp
Classification: Uncertain significance. Last evaluated: 2022-10-04. Review status: criteria provided, single submitter. Criteria: Invitae Variant Classification Sherloc (09022015). Collection method: clinical testing. Allele origin: germline.
Comment: This sequence change replaces valine, which is neutral and non-polar, with alanine, which is neutral and non-polar, at codon 338 of the ADAM9 protein (p.Val338Ala). This variant is present in population databases (rs201439643, gnomAD 0.03%). This variant has not been reported in the literature in individuals affected with ADAM9-related conditions. ClinVar contains an entry for this variant (Variation ID: 362928). Advanced modeling of protein sequence and biophysical properties (such as structural, functional, and spatial information, amino acid conservation, physicochemical variation, residue mobility, and thermodynamic stability) performed at Invitae indicates that this missense variant is not expected to disrupt ADAM9 protein function. In summary, the available evidence is currently insufficient to determine the role of this variant in disease. Therefore, it has been classified as a Variant of Uncertain Significance.

NM_003816.3(ADAM9):c.1013T>C (p.Val338Ala)

Gene: ADAM9 (ADAM metallopeptidase domain 9; plus strand). Cytogenetic location: 8p11.22.
Variant type: single nucleotide variant.
Coding change: c.1013T>C on transcript NM_003816.3 (MANE Select); coding-DNA position 1013, T replaced by C.
Protein change: p.Val338Ala; replaces valine 338 with alanine.
Molecular consequence: missense variant. On other transcripts: non-coding transcript variant (3).
Genome position (GRCh38, 1-based): chr8:39,026,693, T>C. VCF-style: chr8-39026693-T-C. GRCh37 (hg19) VCF-style: chr8-38884212-T-C.
Other names: short protein forms V338A.
Identifiers: ClinVar variation 362928 (VCV000362928.9), dbSNP rs201439643, ClinGen allele CA4721512.
Genomic context (GRCh38, chr8:39,026,693, plus strand): 5'-CTTTGCGTTCAGAAACCTAATTACTACCTTCCTGTTCTGAACAGTTTGGACAAATCACTG[T>C]GGAGACATTTGCTTCCATTGTTGCTCATGAATTGGGTCATAATCTTGGAATGAATCACGA-3'
Protein context (NP_003807.1, residues 328-348): GGINVFGQIT[Val338Ala]ETFASIVAHE